The following is an entry in ClinVar:

ClinVar aggregate classification (germline): Uncertain significance. Review status: criteria provided, multiple submitters, no conflicts (2 of 4 stars). 3 submissions from 3 submitters: Uncertain significance (3). Last evaluated 2024-01-30.

Allele frequency attached by ClinVar (database versions not stated): ExAC 0.00006; gnomAD exomes 0.00006 and 0.00015; gnomAD 0.00011 and 0.00012; TOPMed 0.00014; ESP Exome Variant Server 0.00031.
gnomAD v4.1: 251 of 1,614,098 alleles (0.016%); highest among the groups gnomAD compares: Non-Finnish European, 0.019%; no homozygotes.

Submissions (3):

Labcorp Genetics (formerly Invitae), Labcorp
Classification: Uncertain significance. Last evaluated: 2024-01-30. Review status: criteria provided, single submitter. Criteria: Invitae Variant Classification Sherloc (09022015). Collection method: clinical testing. Allele origin: germline.
Comment: This sequence change replaces alanine, which is neutral and non-polar, with valine, which is neutral and non-polar, at codon 105 of the TREM2 protein (p.Ala105Val). This variant is present in population databases (rs145080901, gnomAD 0.01%). This missense change has been observed in individual(s) with Parkinson disease or late-onset Alzheimer diseaset (PMID: 25174650, 32894242, 36157508). ClinVar contains an entry for this variant (Variation ID: 287526). An algorithm developed to predict the effect of missense changes on protein structure and function (PolyPhen-2) suggests that this variant is likely to be disruptive. In summary, the available evidence is currently insufficient to determine the role of this variant in disease. Therefore, it has been classified as a Variant of Uncertain Significance.

CeGaT Center for Human Genetics Tuebingen
Classification: Uncertain significance. Last evaluated: 2020-06-01. Review status: criteria provided, single submitter. Criteria: CeGaT Center For Human Genetics Tuebingen Variant Classification Criteria Version 2. Collection method: clinical testing. Allele origin: germline. Affected: yes. Observed: 1 variant allele.

Eurofins Ntd Llc (ga)
Classification: Uncertain significance. Last evaluated: 2016-05-03. Review status: criteria provided, single submitter. Criteria: EGL Classification Definitions 2015. Collection method: clinical testing. Allele origin: germline. Observed: 1 variant allele, 1 heterozygote.

Literature cited by the submitters: PubMed 25174650 (cited by Labcorp Genetics (formerly Invitae), Labcorp); PubMed 32894242 (cited by Labcorp Genetics (formerly Invitae), Labcorp); PubMed 36157508 (cited by Labcorp Genetics (formerly Invitae), Labcorp).

NM_018965.4(TREM2):c.314C>T (p.Ala105Val)

Gene: TREM2 (triggering receptor expressed on myeloid cells 2; minus strand). Cytogenetic location: 6p21.1.
Variant type: single nucleotide variant.
Coding change: c.314C>T on transcript NM_018965.4 (MANE Select); coding-DNA position 314, C replaced by T.
Protein change: p.Ala105Val; replaces alanine 105 with valine.
Molecular consequence: missense variant.
Genome position (GRCh38, 1-based): chr6:41,161,340, G>A on the plus strand (C>T on the coding strand, the complement: TREM2 is on the minus strand). VCF-style: chr6-41161340-G-A. GRCh37 (hg19) VCF-style: chr6-41129078-G-A.
Other names: c.314C>T, p.Ala105Val (NM_001271821.2); short protein forms A105V.
Identifiers: ClinVar variation 287526 (VCV000287526.48), dbSNP rs145080901, ClinGen allele CA3798928.